The following is an entry in ClinVar:

ClinVar aggregate classification (germline): Uncertain significance. Review status: criteria provided, multiple submitters, no conflicts (2 of 4 stars). 2 submissions from 2 submitters: Uncertain significance (2). Last evaluated 2022-10-17.

Conditions:
Weill-Marchesani syndrome. Also called: WM Syndrome; Mesodermal dysmorphodystrophy congenital. Identifiers: Orphanet 3449, MedGen C0265313, MONDO:0018096.

Allele frequency attached by ClinVar (database versions not stated): gnomAD exomes 0.00004 and 0.00010; gnomAD 0.00006; ExAC 0.00008; TOPMed 0.00009; 1000 Genomes Project 0.00020; 1000 Genomes Project 30x 0.00031.
gnomAD v4.1: 63 of 1,613,870 alleles (0.0039%); highest among the groups gnomAD compares: East Asian, 0.056%; no homozygotes.

Submissions (2):

Labcorp Genetics (formerly Invitae), Labcorp
Classification: Uncertain significance. Last evaluated: 2022-10-17. Review status: criteria provided, single submitter. Criteria: Invitae Variant Classification Sherloc (09022015). Collection method: clinical testing. Allele origin: germline.
Comment: This sequence change replaces arginine, which is basic and polar, with tryptophan, which is neutral and slightly polar, at codon 210 of the ADAMTS10 protein (p.Arg210Trp). This variant is present in population databases (rs199972750, gnomAD 0.1%). This variant has not been reported in the literature in individuals affected with ADAMTS10-related conditions. ClinVar contains an entry for this variant (Variation ID: 893929). Algorithms developed to predict the effect of missense changes on protein structure and function are either unavailable or do not agree on the potential impact of this missense change (SIFT: "Deleterious"; PolyPhen-2: "Possibly Damaging"; Align-GVGD: "Class C15"). In summary, the available evidence is currently insufficient to determine the role of this variant in disease. Therefore, it has been classified as a Variant of Uncertain Significance.

Illumina Laboratory Services, Illumina
Classification: Uncertain significance for Weill-Marchesani syndrome. Last evaluated: 2018-04-20. Review status: criteria provided, single submitter. Criteria: ICSL Variant Classification Criteria 13 December 2019. Collection method: clinical testing. Allele origin: germline.

NM_030957.4(ADAMTS10):c.628C>T (p.Arg210Trp)

Gene: ADAMTS10 (ADAM metallopeptidase with thrombospondin type 1 motif 10; minus strand). Cytogenetic location: 19p13.2.
Variant type: single nucleotide variant.
Coding change: c.628C>T on transcript NM_030957.4 (MANE Select); coding-DNA position 628, C replaced by T.
Protein change: p.Arg210Trp; replaces arginine 210 with tryptophan.
Molecular consequence: missense variant.
Genome position (GRCh38, 1-based): chr19:8,601,110, G>A on the plus strand (C>T on the coding strand, the complement: ADAMTS10 is on the minus strand). VCF-style: chr19-8601110-G-A. GRCh37 (hg19) VCF-style: chr19-8665994-G-A.
Other names: short protein forms R210W.
Identifiers: ClinVar variation 893929 (VCV000893929.6), dbSNP rs199972750, ClinGen allele CA9160761.